The following is an entry in ClinVar:

ClinVar aggregate classification (germline): Likely benign (1 of 4 stars; one submission).

Conditions:
EP300-related disorder. Also called: EP300-related condition; EP300-related disorders.

Submission:

PreventionGenetics, part of Exact Sciences
Classification: Likely benign for EP300-related condition. Last evaluated: 2026-05-01. Review status: criteria provided, single submitter. Criteria: ACMG Guidelines, 2015. Collection method: clinical testing. Allele origin: germline.
Comment: This variant is classified as likely benign based on ACMG/AMP sequence variant interpretation guidelines (Richards et al. 2015 PMID: 25741868, with internal and published modifications).

NM_001429.4(EP300):c.5295G>C (p.Val1765=)

Gene: EP300 (EP300 lysine acetyltransferase; plus strand). Cytogenetic location: 22q13.2.
Variant type: single nucleotide variant.
Coding change: c.5295G>C on transcript NM_001429.4 (MANE Select); coding-DNA position 5295, G replaced by C.
Protein change: p.Val1765=; no amino-acid change (valine 1765 retained).
Molecular consequence: synonymous variant.
Genome position (GRCh38, 1-based): chr22:41,177,006, G>C. VCF-style: chr22-41177006-G-C. GRCh37 (hg19) VCF-style: chr22-41573010-G-C.
Other names: c.5217G>C, p.Val1739= (NM_001362843.2).
Identifiers: ClinVar variation 4987559 (VCV004987559.1).
Genomic context (GRCh38, chr22:41,177,006, plus strand): 5'-TTGCCAGTGTCGGAATGCCAATTGCTCACTGCCATCCTGCCAGAAGATGAAGCGGGTTGT[G>C]CAGCATACCAAGGGTTGCAAACGGAAAACCAATGGCGGGTGCCCCATCTGCAAGCAGCTC-3'
Protein context (NP_001420.2, residues 1755-1775): LPSCQKMKRV[Val1765=]QHTKGCKRKT